The following is an entry in ClinVar:

NM_002025.4(AFF2):c.178T>C (p.Tyr60His)

Gene: AFF2 (ALF transcription elongation factor 2; plus strand). Cytogenetic location: Xq28.
Variant type: single nucleotide variant.
Coding change: c.178T>C on transcript NM_002025.4 (MANE Select); coding-DNA position 178, T replaced by C.
Protein change: p.Tyr60His; replaces tyrosine 60 with histidine.
Molecular consequence: missense variant. On other transcripts: intron variant (3).
Genome position (GRCh38, 1-based): chrX:148,652,129, T>C. VCF-style: chrX-148652129-T-C. GRCh37 (hg19) VCF-style: chrX-147733650-T-C.
Other names: c.178T>C, p.Tyr60His (NM_001169124.2); c.168+10T>C (NM_001169123.2, NM_001169122.2, NM_001169125.2); short protein forms Y60H.
Identifiers: ClinVar variation 449173 (VCV000449173.8), dbSNP rs1298554052, ClinGen allele CA414508267.
Genomic context (GRCh38, chrX:148,652,129, plus strand): 5'-GAAGACGATCTCTTTTCTTCAGGCTTTGATCTTTTTGGGGAGCCATACAAGGTAGCTGAA[T>C]ATGTATGTAATTTTTCTTTCTGGAAAATGGTTGCTTGTTACATTTTTGAACTCACTAATC-3'
Protein context (NP_002016.2, residues 50-70): LFGEPYKVAE[Tyr60His]TNKGDALANR

ClinVar aggregate classification (germline): Uncertain significance. Review status: criteria provided, single submitter (1 of 4 stars). 3 submissions from 3 submitters: Uncertain significance (1). 2 of the submissions do not count toward it. Last evaluated 2019-08-07.

Allele frequency attached by ClinVar (database versions not stated): gnomAD exomes 0.00001; TOPMed 0.00001; gnomAD 0.00002.
gnomAD v4.1: 17 of 1,186,144 alleles (0.0014%); highest among the groups gnomAD compares: Non-Finnish European, 0.0019%; no homozygotes.

Submissions (3):

GeneDx
Classification: Uncertain significance. Last evaluated: 2019-08-07. Review status: criteria provided, single submitter. Criteria: GeneDx Variant Classification Process June 2021. Collection method: clinical testing. Allele origin: germline. Affected: yes.
Comment: Not observed in large population cohorts (Lek et al., 2016); In silico analysis, which includes protein predictors and evolutionary conservation, supports that this variant does not alter protein structure/function; Has not been previously published as pathogenic or benign to our knowledge

Clinical Genetics DNA and cytogenetics Diagnostics Lab, Erasmus MC, Erasmus Medical Center
Classification: Uncertain significance. Review status: no assertion criteria provided. Collection method: clinical testing. Allele origin: germline. Affected: yes. Study: VKGL Data-share Consensus. Not counted in ClinVar's aggregate classification.

Diagnostic Laboratory, Department of Genetics, University Medical Center Groningen
Classification: Uncertain significance. Review status: no assertion criteria provided. Collection method: clinical testing. Allele origin: germline. Affected: yes. Study: VKGL Data-share Consensus. Not counted in ClinVar's aggregate classification.